The following is an entry in ClinVar:

ClinVar aggregate classification (germline): Uncertain significance. Review status: criteria provided, multiple submitters, no conflicts (2 of 4 stars). 3 submissions from 3 submitters: Uncertain significance (3). Last evaluated 2022-06-14.

Conditions:
Naxos disease (NXD). Also called: KERATOSIS PALMOPLANTARIS WITH ARRHYTHMOGENIC CARDIOMYOPATHY; MAL DE NAXOS; PALMOPLANTAR KERATODERMA WITH ARRHYTHMOGENIC RIGHT VENTRICULAR CARDIOMYOPATHY AND WOOLLY HAIR; WOOLLY HAIR, PALMOPLANTAR KERATODERMA, AND CARDIAC ABNORMALITIES; CARDIOMYOPATHY, ARRHYTHMOGENIC RIGHT VENTRICULAR, WITH SKIN, HAIR, AND NAIL ABNORMALITIES. Identifiers: Orphanet 34217, MedGen C1832600, MONDO:0011017, OMIM 601214.
Arrhythmogenic right ventricular dysplasia 12. Also called: ARRHYTHMOGENIC RIGHT VENTRICULAR DYSPLASIA, FAMILIAL, 12. Identifiers: MedGen C1969081, MONDO:0012684, OMIM 611528.
Cardiovascular phenotype. Identifiers: MedGen CN230736.

Submissions (3):

Ambry Genetics
Classification: Uncertain significance for Cardiovascular phenotype. Last evaluated: 2022-06-14. Review status: criteria provided, single submitter. Criteria: Ambry Variant Classification Scheme 2023. Collection method: clinical testing. Allele origin: germline.
Comment: The c.116_118delGCA variant (also known as p.S39del) is located in coding exon 1 of the JUP gene. This variant results from an in-frame GCA deletion at nucleotide positions 116 to 118. This results in the in-frame deletion of a serine at codon 39. This amino acid position is not well conserved in available vertebrate species. In addition, the in silico prediction for this alteration is inconclusive (Choi Y et al. PLoS ONE. 2012; 7(10):e46688). Since supporting evidence is limited at this time, the clinical significance of this alteration remains unclear.

Clinical Genetics Laboratory, Skane University Hospital Lund
Classification: Uncertain significance. Last evaluated: 2022-05-27. Review status: criteria provided, single submitter. Criteria: ACMG Guidelines, 2015. Collection method: clinical testing. Allele origin: germline. Affected: yes.

Labcorp Genetics (formerly Invitae), Labcorp
Classification: Uncertain significance for Arrhythmogenic right ventricular dysplasia 12; Naxos disease. Last evaluated: 2017-07-22. Review status: criteria provided, single submitter. Criteria: Invitae Variant Classification Sherloc (09022015). Collection method: clinical testing. Allele origin: germline.
Comment: This variant, c.116_118delGCA, results in the deletion of 1 amino acid of the JUP protein (p.Ser39del), but otherwise preserves the integrity of the reading frame. In summary, the available evidence is currently insufficient to determine the role of this variant in disease. Therefore, it has been classified as a Variant of Uncertain Significance. Experimental studies and prediction algorithms are not available for this variant, and the functional significance of the deleted amino acid is currently unknown. This variant has not been reported in the literature in individuals with JUP-related disease. This variant is present in population databases (rs782751782, ExAC 0.002%).

NM_002230.4(JUP):c.113GCA[1] (p.Ser39del)

Gene: JUP (junction plakoglobin; minus strand). Cytogenetic location: 17q21.2.
Variant type: Microsatellite.
Coding change: c.113GCA[1] on transcript NM_002230.4 (MANE Select); one copy of the 3-base unit GCA starting at c.113; the reference has two copies in a row; one copy, 3 bases deleted; also written c.116_118del.
Protein change: p.Ser39del; deletes serine 39.
Molecular consequence: inframe deletion.
Genome position (GRCh38, 1-based): chr17:41,771,737-41,771,739, TGC deleted on the plus strand (GCA on the coding strand, the reverse complement: JUP is on the minus strand); deleting any 3 consecutive bases within chr17:41,771,737-41,771,744 gives the same sequence; the position shown is the placement nearest the transcript's 3' end. VCF-style (leftmost placement, unchanged base first): chr17-41771736-TTGC-T. GRCh37 (hg19) VCF-style: chr17-39927988-TTGC-T.
Other names: c.116_118del (NM_002230.4); c.113GCA[1], p.Ser39del (NM_001352773.2, NM_001352774.2, NM_001352775.2 and 3 more transcripts); short protein forms S39del.
Identifiers: ClinVar variation 468744 (VCV000468744.11), dbSNP rs113994176, ClinGen allele CA8565579.